The following is an entry in ClinVar:

ClinVar aggregate classification (germline): Conflicting classifications of pathogenicity. Review status: criteria provided, conflicting classifications (1 of 4 stars). 2 submissions from 2 submitters: Uncertain significance (1); Likely benign (1). Last evaluated 2024-08-13.

Conditions:
Episodic ataxia type 2 (EA2). Also called: ACETAZOLAMIDE-RESPONSIVE HEREDITARY PAROXYSMAL CEREBELLAR ATAXIA; CEREBELLAR ATAXIA, PAROXYSMAL, ACETAZOLAMIDE-RESPONSIVE; CEREBELLOPATHY, HEREDITARY PAROXYSMAL; EPISODIC ATAXIA, NYSTAGMUS-ASSOCIATED; ATAXIA, EPISODIC, WITH NYSTAGMUS; ATAXIA, FAMILIAL PAROXYSMAL. Identifiers: Orphanet 97, MedGen C1720416, MONDO:0007163, OMIM 108500.
Developmental and epileptic encephalopathy, 42 (DEE42A). Also called: Epileptic encephalopathy, early infantile, 42; DEVELOPMENTAL AND EPILEPTIC ENCEPHALOPATHY 42A; EPILEPTIC ENCEPHALOPATHY, EARLY INFANTILE, 42A. Identifiers: MedGen C4310716, MONDO:0014917, OMIM 617106.

Allele frequency attached by ClinVar (database versions not stated): gnomAD exomes below 0.00001.
gnomAD v4.1: 3 of 1,600,084 alleles (0.00019%); highest among the groups gnomAD compares: East Asian, 0.0067%; no homozygotes.

Submissions (2):

Labcorp Genetics (formerly Invitae), Labcorp
Classification: Likely benign for Developmental and epileptic encephalopathy, 42; Episodic ataxia type 2. Last evaluated: 2024-08-13. Review status: criteria provided, single submitter. Criteria: Invitae Variant Classification Sherloc (09022015). Collection method: clinical testing. Allele origin: germline.

CeGaT Center for Human Genetics Tuebingen
Classification: Uncertain significance. Last evaluated: 2024-05-01. Review status: criteria provided, single submitter. Criteria: CeGaT Center For Human Genetics Tuebingen Variant Classification Criteria Version 2. Collection method: clinical testing. Allele origin: germline. Affected: yes. Observed: 1 variant allele.
Comment: CACNA1A: PP2

NM_001127222.2(CACNA1A):c.2304G>C (p.Lys768Asn)

Gene: CACNA1A (calcium voltage-gated channel subunit alpha1 A; minus strand). Cytogenetic location: 19p13.13.
Variant type: single nucleotide variant.
Coding change: c.2304G>C on transcript NM_001127222.2 (MANE Select); coding-DNA position 2304, G replaced by C.
Protein change: p.Lys768Asn; replaces lysine 768 with asparagine.
Molecular consequence: missense variant.
Genome position (GRCh38, 1-based): chr19:13,299,329, C>G on the plus strand (G>C on the coding strand, the complement: CACNA1A is on the minus strand). VCF-style: chr19-13299329-C-G. GRCh37 (hg19) VCF-style: chr19-13410143-C-G.
Other names: c.2316G>C, p.Lys772Asn (NM_000068.4, NM_023035.3); c.2307G>C, p.Lys769Asn (NM_001127221.2, NM_001174080.2); short protein forms K772N, K768N, K769N.
Identifiers: ClinVar variation 962907 (VCV000962907.29), dbSNP rs771905201, ClinGen allele CA9240572.
Genomic context (GRCh38, chr19:13,299,329, plus strand): 5'-GGCCAGCAAGTTCTGCTTTCGCATCTCACTGGTCCGCTGCTCCCACACGGACTTGGCTGG[C>G]TTTTGATTCTTCTGTTGCTCTTTCCTGCAGTGGCATGGTCACAGGACTTAGAGCATTGCT-3'
Protein context (NP_001120694.1, residues 758-778): IAVKEQQKNQ[Lys768Asn]PAKSVWEQRT